The following is an entry in ClinVar:

ClinVar aggregate classification (germline): Uncertain significance (1 of 4 stars; one submission).

Conditions:
T-B+ severe combined immunodeficiency due to JAK3 deficiency. Also called: SCID, autosomal recessive, T-negative/B-positive type; SCID, T CELL-NEGATIVE, B CELL-POSITIVE, NK CELL-NEGATIVE. Identifiers: Orphanet 35078, MedGen C1833275, MONDO:0010938, OMIM 600802.

Allele frequency attached by ClinVar (database versions not stated): TOPMed below 0.00001.
gnomAD v4.1: 5 of 1,599,812 alleles (0.00031%); highest among the groups gnomAD compares: South Asian, 0.0011%; no homozygotes.

Submission:

Labcorp Genetics (formerly Invitae), Labcorp
Classification: Uncertain significance for T-B+ severe combined immunodeficiency due to JAK3 deficiency. Last evaluated: 2021-08-11. Review status: criteria provided, single submitter. Criteria: Invitae Variant Classification Sherloc (09022015). Collection method: clinical testing. Allele origin: germline.
Comment: In summary, the available evidence is currently insufficient to determine the role of this variant in disease. Therefore, it has been classified as a Variant of Uncertain Significance. Algorithms developed to predict the effect of missense changes on protein structure and function are either unavailable or do not agree on the potential impact of this missense change (SIFT: "Tolerated"; PolyPhen-2: "Possibly Damaging"; Align-GVGD: "Class C0"). This variant has not been reported in the literature in individuals affected with JAK3-related conditions. This variant is not present in population databases (ExAC no frequency). This sequence change replaces serine with tryptophan at codon 233 of the JAK3 protein (p.Ser233Trp). The serine residue is weakly conserved and there is a large physicochemical difference between serine and tryptophan.

NM_000215.4(JAK3):c.698C>G (p.Ser233Trp)

Gene: JAK3 (Janus kinase 3; minus strand). Cytogenetic location: 19p13.11.
Variant type: single nucleotide variant.
Coding change: c.698C>G on transcript NM_000215.4 (MANE Select); coding-DNA position 698, C replaced by G.
Protein change: p.Ser233Trp; replaces serine 233 with tryptophan.
Molecular consequence: missense variant.
Genome position (GRCh38, 1-based): chr19:17,842,479, G>C on the plus strand (C>G on the coding strand, the complement: JAK3 is on the minus strand). VCF-style: chr19-17842479-G-C. GRCh37 (hg19) VCF-style: chr19-17953288-G-C.
Other names: short protein forms S233W.
Identifiers: ClinVar variation 1492840 (VCV001492840.6), dbSNP rs941028266, ClinGen allele CA306140170.